The following is an entry in ClinVar:

ClinVar aggregate classification (germline): Pathogenic. Review status: criteria provided, multiple submitters, no conflicts (2 of 4 stars). 2 submissions from 2 submitters: Pathogenic (2). Last evaluated 2023-07-31.

Conditions:
KCNH2-related disorder. Also called: KCNH2-related disorders; KCNH2-related condition.
Long QT syndrome (LQTS). Identifiers: MedGen C0023976, MeSH D008133, MONDO:0002442. Disease mechanism: loss of function. Inheritance: Various modes of inheritance.

Submissions (2):

Blueprint Genetics
Classification: Pathogenic for KCNH2-related disorders. Last evaluated: 2023-07-31. Review status: criteria provided, single submitter. Criteria: ACMG Guidelines, 2015. Collection method: clinical testing. Allele origin: germline. Affected: yes. Observed: 5 variant alleles.

Agnes Ginges Centre for Molecular Cardiology, Centenary Institute
Classification: Pathogenic for Long QT syndrome. Last evaluated: 2018-11-21. Review status: criteria provided, single submitter. Criteria: ACMG Guidelines, 2015. Collection method: research. Allele origin: germline. Inheritance: Autosomal dominant inheritance. Affected: yes.
Comment: KCNH2 Glu682Serfs*32 has not been reported previously and is absent in the Genome Aggregation Database. Based on this information, we classify KCNH2 Glu682Serfs*32 as 'pathogenic'.

Literature cited by the submitters: PubMed 27920829 (cited by Agnes Ginges Centre for Molecular Cardiology, Centenary Institute).

NM_000238.4(KCNH2):c.2044del (p.Glu682fs)

Gene: KCNH2 (potassium voltage-gated channel subfamily H member 2; minus strand). Cytogenetic location: 7q36.1.
Variant type: Deletion.
Coding change: c.2044del on transcript NM_000238.4 (MANE Select); coding-DNA position 2044, one base deleted (G; older notation c.2044delG).
Protein change: p.Glu682fs; shifts the reading frame from glutamic acid 682.
Molecular consequence: frameshift variant.
Genome position (GRCh38, 1-based): chr7:150,951,022, C deleted on the plus strand (G on the coding strand, the reverse complement: KCNH2 is on the minus strand); the first of 3 consecutive C bases (chr7:150,951,022-150,951,024); deleting any one gives the same sequence. VCF-style (leftmost placement, unchanged base first): chr7-150951021-TC-T. GRCh37 (hg19) VCF-style: chr7-150648109-TC-T.
Other names: c.1024del, p.Glu342fs (NM_001204798.2, NM_172057.3); c.1754delG, p.Glu586Serfs (NM_001406753.1, NM_001406756.1); c.1865delG, p.Glu623Serfs (NM_001406755.1); c.1742delG, p.Glu582Serfs (NM_001406757.1); c.2042delG, p.Glu682Serfs (NM_172056.3); c.2044delG (NM_000238.3); short protein forms E342fs, E682fs.
Identifiers: ClinVar variation 810745 (VCV000810745.4), dbSNP rs1584852174, ClinGen allele CA915945575.
Genomic context (GRCh38, chr7:150,951,021, plus strand): 5'-TGGAAGTACTCCTCGAGGCGCTGGCGCAGGGGATTGGGGATCTGGTGGAAGCGGATGAAC[TC>T]CCGCACCCGCAGCATCTGTGTGTGGTAGCGGGCTGTGCCCGAGTACAGCCGCTGGATGAT-3'